The following is an entry in ClinVar:

ClinVar aggregate classification (germline): Uncertain significance (1 of 4 stars; one submission).

Conditions:
Charcot-Marie-Tooth disease type 2. Also called: Charcot-Marie-Tooth type 2. Identifiers: Orphanet 64746, MedGen C0270914, MONDO:0018993.

gnomAD v4.1: 4 of 1,614,140 alleles (0.00025%); highest among the groups gnomAD compares: South Asian, 0.0011%; no homozygotes.

Submission:

Labcorp Genetics (formerly Invitae), Labcorp
Classification: Uncertain significance for Charcot-Marie-Tooth disease type 2. Last evaluated: 2022-10-06. Review status: criteria provided, single submitter. Criteria: Invitae Variant Classification Sherloc (09022015). Collection method: clinical testing. Allele origin: germline.
Comment: In summary, the available evidence is currently insufficient to determine the role of this variant in disease. Therefore, it has been classified as a Variant of Uncertain Significance. Advanced modeling of protein sequence and biophysical properties (such as structural, functional, and spatial information, amino acid conservation, physicochemical variation, residue mobility, and thermodynamic stability) has been performed at Invitae for this missense variant, however the output from this modeling did not meet the statistical confidence thresholds required to predict the impact of this variant on MFN2 protein function. This variant has not been reported in the literature in individuals affected with MFN2-related conditions. This variant is not present in population databases (gnomAD no frequency). This sequence change replaces serine, which is neutral and polar, with alanine, which is neutral and non-polar, at codon 637 of the MFN2 protein (p.Ser637Ala).

NM_014874.4(MFN2):c.1909T>G (p.Ser637Ala)

Gene: MFN2 (mitofusin 2; plus strand). Cytogenetic location: 1p36.22.
Variant type: single nucleotide variant.
Coding change: c.1909T>G on transcript NM_014874.4 (MANE Select); coding-DNA position 1909, T replaced by G.
Protein change: p.Ser637Ala; replaces serine 637 with alanine.
Molecular consequence: missense variant.
Genome position (GRCh38, 1-based): chr1:12,007,089, T>G. VCF-style: chr1-12007089-T-G. GRCh37 (hg19) VCF-style: chr1-12067146-T-G.
Other names: c.1909T>G, p.Ser637Ala (NM_001127660.2); short protein forms S637A.
Identifiers: ClinVar variation 2416231 (VCV002416231.6), dbSNP rs763185826, ClinGen allele CA338450554.